The following is an entry in ClinVar:

NM_007254.4(PNKP):c.767G>A (p.Gly256Asp)

Gene: PNKP (polynucleotide kinase 3'-phosphatase; minus strand). Cytogenetic location: 19q13.33.
Variant type: single nucleotide variant.
Coding change: c.767G>A on transcript NM_007254.4 (MANE Select); coding-DNA position 767, G replaced by A.
Protein change: p.Gly256Asp; replaces glycine 256 with aspartic acid.
Molecular consequence: missense variant.
Genome position (GRCh38, 1-based): chr19:49,863,738, C>T on the plus strand (G>A on the coding strand, the complement: PNKP is on the minus strand). VCF-style: chr19-49863738-C-T. GRCh37 (hg19) VCF-style: chr19-50366995-C-T.
Other names: p.G256D:GGC>GAC; short protein forms G256D.
Identifiers: ClinVar variation 206396 (VCV000206396.2), dbSNP rs796052852, ClinGen allele CA316472.

ClinVar aggregate classification (germline): Uncertain significance (1 of 4 stars; one submission).

Submission:

GeneDx
Classification: Uncertain significance. Last evaluated: 2013-07-24. Review status: criteria provided, single submitter. Criteria: GeneDx Variant Classification (06012015). Collection method: clinical testing. Allele origin: germline. Affected: yes.
Comment: p.Gly256Asp (GGC>GAC): c.767 G>A in exon 8 of the PNKP gene (NM_007254.2) The Gly256Asp missense change has not been published as a mutation, nor has it been reported as a benign polymorphism to our knowledge. It was not observed in approximately 6,400 individuals of European and African American ancestry in the NHLBI Exome Sequencing Project, indicating it is not a common benign variant in these populations. This variant is a non-conservative amino acid substitution of a non-polar Glycine residue with a polar Aspartic acid residue at a position that is not well conserved across species. However, in silico analysis predicts this variant is probably damaging to the protein structure/function. Therefore, based on the currently available information, it is unclear whether Gly256Asp is a disease-causing mutation or a rare benign variant. The variant is found in EPILEPSY panel(s).